The following is an entry in ClinVar:

NM_001270974.2(HYDIN):c.9960A>T (p.Leu3320=)

Gene: HYDIN (HYDIN axonemal central pair apparatus protein; minus strand). Cytogenetic location: 16q22.2.
Variant type: single nucleotide variant.
Coding change: c.9960A>T on transcript NM_001270974.2 (MANE Select); coding-DNA position 9960, A replaced by T.
Protein change: p.Leu3320=; no amino-acid change (leucine 3320 retained).
Molecular consequence: synonymous variant.
Genome position (GRCh38, 1-based): chr16:70,883,939, T>A on the plus strand (A>T on the coding strand, the complement: HYDIN is on the minus strand). VCF-style: chr16-70883939-T-A. GRCh37 (hg19) VCF-style: chr16-70917842-T-A.
Other names: NC_000016.9:g.70917842T>A.
Identifiers: ClinVar variation 2646722 (VCV002646722.26), dbSNP rs186768852, ClinGen allele CA8149429.

ClinVar aggregate classification (germline): Likely benign. Review status: criteria provided, multiple submitters, no conflicts (2 of 4 stars). 2 submissions from 2 submitters: Likely benign (2). Last evaluated 2025-04-01.

Allele frequency attached by ClinVar (database versions not stated): 1000 Genomes Project 0.00140; ESP Exome Variant Server 0.00140; ExAC 0.00150; 1000 Genomes Project 30x 0.00156; gnomAD 0.00158.
gnomAD v4.1: 3,315 of 1,613,746 alleles (0.21%); highest among the groups gnomAD compares: Admixed American, 0.3%; 5 homozygotes.

Submissions (5):

CeGaT Center for Human Genetics Tuebingen
Classification: Likely benign. Last evaluated: 2025-04-01. Review status: criteria provided, single submitter. Criteria: CeGaT Center For Human Genetics Tuebingen Variant Classification Criteria Version 2. Collection method: clinical testing. Allele origin: germline. Affected: yes. Observed: 6 variant alleles.
Comment: HYDIN: BP4, BP7

Blueprint Genetics
Classification: Likely benign. Last evaluated: 2024-11-17. Review status: criteria provided, single submitter. Criteria: ACMG Guidelines, 2015. Collection method: clinical testing. Allele origin: germline.

Dr. Peter K. Rogan Lab, Western University
No classification provided (evidence only). Condition: Clear cell carcinoma of kidney. Review status: no classification provided. Collection method: in vitro. Allele origin: not applicable. Functional consequence: retained intron. Not counted in ClinVar's aggregate classification.

Dr. Peter K. Rogan Lab, Western University
No classification provided (evidence only). Condition: Cervical cancer. Review status: no classification provided. Collection method: in vitro. Allele origin: not applicable. Functional consequence: retained intron. Not counted in ClinVar's aggregate classification.

Dr. Peter K. Rogan Lab, Western University
No classification provided (evidence only). Condition: Sarcoma. Review status: no classification provided. Collection method: in vitro. Allele origin: not applicable. Functional consequence: retained intron. Not counted in ClinVar's aggregate classification.